The following is an entry in ClinVar:

ClinVar aggregate classification (germline): Pathogenic (0 of 4 stars; one submission).

Conditions:
Angelman syndrome (AS). Also called: HAPPY PUPPET SYNDROME. Identifiers: Orphanet 72, MedGen C0162635, MONDO:0007113, OMIM 105830. Disease mechanism: loss of function. Inheritance: AS is caused by disruption of maternally imprinted UBE3A located within the 15q11.2-q13 Angelman syndrome/Prader-Willi syndrome (AS/PWS) region., imprinting disorder.

Submission:

Baylor Genetics
Classification: Pathogenic for Angelman Syndrome. Last evaluated: 2014-02-14. Review status: no assertion criteria provided. Collection method: clinical testing. Allele origin: germline. Affected: yes. Observed: 1 variant allele. Study: UBE3A Mutation Study.
Comment: Data collected from clinical UBE3A sequence analysis results

Literature cited by the submitters: PubMed 25212744.

NM_130839.5(UBE3A):c.2305del (p.Glu769fs)

Genes: SNHG14 (small nucleolar RNA host gene 14; plus strand), UBE3A (ubiquitin protein ligase E3A; minus strand). Cytogenetic location: 15q11.2.
Variant type: Deletion.
Coding change: c.2305del on transcript NM_130839.5 (MANE Select); coding-DNA position 2305, one base deleted (G; older notation c.2305delG).
Protein change: p.Glu769fs; shifts the reading frame from glutamic acid 769.
Molecular consequence: frameshift variant. On other transcripts: non-coding transcript variant (1).
Genome position (GRCh38, 1-based): chr15:25,354,402, C deleted on the plus strand (G on the coding strand, the reverse complement: UBE3A is on the minus strand). VCF-style (leftmost placement, unchanged base first): chr15-25354401-TC-T. GRCh37 (hg19) VCF-style: chr15-25599548-TC-T.
Other names: c.2314del, p.Glu772fs (NM_000462.5); c.2305del, p.Glu769fs (NM_001354505.1, NM_001354538.2); c.2245del, p.Glu749fs (NM_001354506.2, NM_001354507.2, NM_001354508.2 and 14 more transcripts); c.2149del, p.Glu717fs (NM_001354545.2); c.2128del, p.Glu710fs (NM_001354546.2); c.2089del, p.Glu697fs (NM_001354547.2, NM_001354548.2); c.2080del, p.Glu694fs (NM_001354549.2); c.1054del, p.Glu352fs (NM_001354550.2); and 1 more; short protein forms E332fs, E769fs, E352fs, E697fs, E710fs, E717fs, E694fs, E749fs.
Identifiers: ClinVar variation 155972 (VCV000155972.1), dbSNP rs587781221, ClinGen allele CA333349.